The following is an entry in ClinVar:

NM_020320.5(RARS2):c.207A>G (p.Ala69=)

Gene: RARS2 (arginyl-tRNA synthetase 2, mitochondrial; minus strand). Cytogenetic location: 6q15.
Variant type: single nucleotide variant.
Coding change: c.207A>G on transcript NM_020320.5 (MANE Select); coding-DNA position 207, A replaced by G.
Protein change: p.Ala69=; no amino-acid change (alanine 69 retained).
Molecular consequence: synonymous variant. On other transcripts: non-coding transcript variant (23), 5 prime UTR variant (7).
Genome position (GRCh38, 1-based): chr6:87,564,136, T>C on the plus strand (A>G on the coding strand, the complement: RARS2 is on the minus strand). VCF-style: chr6-87564136-T-C. GRCh37 (hg19) VCF-style: chr6-88273854-T-C.
Other names: c.207A>G (NM_020320.4); c.-263A>G (NM_001318785.2, NM_001350509.2); c.207A>G, p.Ala69= (NM_001350505.2); c.-319A>G (NM_001350506.2, NM_001350507.2, NM_001350510.2 and 1 more transcripts); c.-481A>G (NM_001350508.2).
Identifiers: ClinVar variation 358239 (VCV000358239.21), dbSNP rs568483789, ClinGen allele CA3916732.

ClinVar aggregate classification (germline): Conflicting classifications of pathogenicity. Review status: criteria provided, conflicting classifications (1 of 4 stars). 5 submissions from 5 submitters: Uncertain significance (1); Benign (1); Likely benign (1). 2 of the submissions do not count toward it. Last evaluated 2025-09-03.

Conditions:
RARS2-related disorder. Also called: RARS2-related condition.
Pontocerebellar hypoplasia type 6 (PCH6). Identifiers: Orphanet 166073, MedGen C1969084, MONDO:0012683, OMIM 611523.

Allele frequency attached by ClinVar (database versions not stated): TOPMed 0.00011; ExAC 0.00020; gnomAD 0.00023 and 0.00025.
gnomAD v4.1: 301 of 1,602,934 alleles (0.019%); highest among the groups gnomAD compares: Non-Finnish European, 0.02%; 1 homozygote.

Submissions (5):

Labcorp Genetics (formerly Invitae), Labcorp
Classification: Benign. Last evaluated: 2025-09-03. Review status: criteria provided, single submitter. Criteria: Invitae Variant Classification Sherloc (09022015). Collection method: clinical testing. Allele origin: germline.

Illumina Laboratory Services, Illumina
Classification: Uncertain significance for Pontocerebellar hypoplasia type 6. Last evaluated: 2018-01-12. Review status: criteria provided, single submitter. Criteria: ICSL Variant Classification Criteria 13 December 2019. Collection method: clinical testing. Allele origin: germline.

GeneDx
Classification: Likely benign. Last evaluated: 2016-02-16. Review status: criteria provided, single submitter. Criteria: GeneDx Variant Classification (06012015). Collection method: clinical testing. Allele origin: germline. Affected: yes.
Comment: This variant is considered likely benign or benign based on one or more of the following criteria: it is a conservative change, it occurs at a poorly conserved position in the protein, it is predicted to be benign by multiple in silico algorithms, and/or has population frequency not consistent with disease.

Natera, Inc.
Classification: Likely benign for Pontocerebellar hypoplasia, type 6. Last evaluated: 2020-02-13. Review status: no assertion criteria provided. Collection method: clinical testing. Allele origin: germline. Not counted in ClinVar's aggregate classification.

PreventionGenetics, part of Exact Sciences
Classification: Likely benign for RARS2-related condition. Last evaluated: 2019-04-05. Review status: no assertion criteria provided. Collection method: clinical testing. Allele origin: germline. Not counted in ClinVar's aggregate classification.
Comment: This variant is classified as likely benign based on ACMG/AMP sequence variant interpretation guidelines (Richards et al. 2015 PMID: 25741868, with internal and published modifications).